The following is an entry in ClinVar:

ClinVar aggregate classification (germline): Benign (1 of 4 stars; one submission).

Conditions:
Neurofibromatosis, type 1 (NF1). Also called: VON RECKLINGHAUSEN DISEASE; NEUROFIBROMATOSIS, TYPE I, SOMATIC; Peripheral type neurofibromatosis; Neurofibromatosis, type I. Identifiers: Orphanet 636, MedGen C0027831, MONDO:0018975, OMIM 162200. Disease mechanism: loss of function.

Submission:

Myriad Genetics, Inc.
Classification: Benign for Neurofibromatosis, type 1. Last evaluated: 2026-05-21. Review status: criteria provided, single submitter. Criteria: Myriad Autosomal Dominant, Autosomal Recessive and X-Linked Classification Criteria (2023). Collection method: clinical testing. Allele origin: unknown.
Comment: This variant is considered benign. This variant is a silent/synonymous amino acid change and it is not expected to impact splicing.

NM_001042492.3(NF1):c.6351C>T (p.Ser2117=)

Gene: NF1 (neurofibromin 1; plus strand). Cytogenetic location: 17q11.2.
Variant type: single nucleotide variant.
Coding change: c.6351C>T on transcript NM_001042492.3 (MANE Select); coding-DNA position 6351, C replaced by T.
Protein change: p.Ser2117=; no amino-acid change (serine 2117 retained).
Molecular consequence: synonymous variant.
Genome position (GRCh38, 1-based): chr17:31,336,838, C>T. VCF-style: chr17-31336838-C-T. GRCh37 (hg19) VCF-style: chr17-29663856-C-T.
Other names: c.6288C>T, p.Ser2096= (NM_000267.4).
Identifiers: ClinVar variation 4875927 (VCV004875927.1).